The following is an entry in ClinVar:

NM_015908.6(SRRT):c.1896C>T (p.Asn632=)

Gene: SRRT (serrate, RNA effector molecule; plus strand). Cytogenetic location: 7q22.1.
Variant type: single nucleotide variant.
Coding change: c.1896C>T on transcript NM_015908.6 (MANE Select); coding-DNA position 1896, C replaced by T.
Protein change: p.Asn632=; no amino-acid change (asparagine 632 retained).
Molecular consequence: synonymous variant.
Genome position (GRCh38, 1-based): chr7:100,887,121, C>T. VCF-style: chr7-100887121-C-T. GRCh37 (hg19) VCF-style: chr7-100484742-C-T.
Other names: c.1893C>T, p.Asn631= (NM_001128852.2, NM_001128854.2); c.1896C>T, p.Asn632= (NM_001128853.2).
Identifiers: ClinVar variation 2657776 (VCV002657776.24), dbSNP rs142458683, ClinGen allele CA4395711.
Genomic context (GRCh38, chr7:100,887,121, plus strand): 5'-CCTCCTTTACCTGCGCATCGTGCATTCCTTGGATTATTACAACACCTGTGAGTACCCCAA[C>T]GAGGACGAGATGCCCAATCGCTGTGGGATCATCCACGTTCGGGGGCCCATGCCACCCAAC-3'
Protein context (NP_056992.4, residues 622-642): LDYYNTCEYP[Asn632=]EDEMPNRCGI

ClinVar aggregate classification (germline): Likely benign (1 of 4 stars; one submission).

Allele frequency attached by ClinVar (database versions not stated): gnomAD exomes 0.00015; ESP Exome Variant Server 0.00077; TOPMed 0.00088; gnomAD 0.00089; 1000 Genomes Project 30x 0.00141; 1000 Genomes Project 0.00160.
gnomAD v4.1: 362 of 1,614,230 alleles (0.022%); highest among the groups gnomAD compares: African/African-American, 0.25%; no homozygotes.

Submission:

CeGaT Center for Human Genetics Tuebingen
Classification: Likely benign. Last evaluated: 2023-02-01. Review status: criteria provided, single submitter. Criteria: CeGaT Center For Human Genetics Tuebingen Variant Classification Criteria Version 2. Collection method: clinical testing. Allele origin: germline. Affected: yes. Observed: 1 variant allele.
Comment: SRRT: BP4, BP7